The following is an entry in ClinVar:

NM_002805.6(PSMC5):c.238A>G (p.Met80Val)

Gene: PSMC5 (proteasome 26S subunit, ATPase 5; plus strand). Cytogenetic location: 17q23.3.
Variant type: single nucleotide variant.
Coding change: c.238A>G on transcript NM_002805.6 (MANE Select); coding-DNA position 238, A replaced by G.
Protein change: p.Met80Val; replaces methionine 80 with valine.
Molecular consequence: missense variant.
Genome position (GRCh38, 1-based): chr17:63,829,923, A>G. VCF-style: chr17-63829923-A-G. GRCh37 (hg19) VCF-style: chr17-61907283-A-G.
Other names: c.214A>G, p.Met72Val (NM_001199163.2); short protein forms M72V, M80V.
Identifiers: ClinVar variation 3377264 (VCV003377264.1).
Genomic context (GRCh38, chr17:63,829,923, plus strand): 5'-CGGGAGGAGCTACAGCTGCTGCAGGAGCAGGGCTCCTATGTGGGGGAAGTAGTCCGGGCC[A>G]TGGATAAGAAGAAAGTGTTGGTCAAGGTAAAAGCAGCATGACCCCAGGGACCAGCTCGGT-3'
Protein context (NP_002796.4, residues 70-90): GSYVGEVVRA[Met80Val]DKKKVLVKVH

ClinVar aggregate classification (germline): Uncertain significance (1 of 4 stars; one submission).

Conditions:
Neurodevelopmental disorder. Identifiers: MedGen C1535926, MeSH D065886, MONDO:0700092.

Submission:

Victorian Clinical Genetics Services, Murdoch Childrens Research Institute
Classification: Uncertain significance for Neurodevelopmental disorder. Last evaluated: 2024-10-10. Review status: criteria provided, single submitter. Criteria: ACMG Guidelines, 2015. Collection method: clinical testing. Allele origin: germline. Inheritance: Autosomal dominant inheritance. Affected: yes.
Comment: Based on the classification scheme VCGS_Germline_v1.3.5, this variant is classified as VUS-3A. Following criteria are met: 0105 - The mechanism of disease for this gene is not clearly established. (I) 0107 - This gene is associated with autosomal dominant disease. (I) 0200 - Variant is predicted to result in a missense amino acid change from methionine to valine. (I) 0251 - This variant is heterozygous. (I) 0301 - Variant is absent from gnomAD (v2, v3 and v4). (SP) 0309 - An alternative amino acid change at the same position has been observed in gnomAD (v4; 1 heterozygote, 0 homozygotes). (I) 0502 - Missense variant with conflicting in silico predictions and very high conservation. (I) 0603 - Missense variant in a region that is highly intolerant to missense variation (high constraint region in DECIPHER). (SP) 0705 - No comparable missense variants have previous evidence for pathogenicity. (I) 0807 - This variant has no previous evidence of pathogenicity. (I) 0905 - No published segregation evidence has been identified for this variant. (I) 1007 - No published functional evidence has been identified for this variant. (SP) Legend: (SP) - Supporting pathogenic, (I) - Information, (SB) - Supporting benign